The following is an entry in ClinVar:

ClinVar aggregate classification (germline): Uncertain significance (1 of 4 stars; one submission).

Conditions:
Hereditary cancer-predisposing syndrome. Also called: Neoplastic Syndromes, Hereditary; Tumor predisposition; Hereditary Cancer Syndrome; Hereditary neoplastic syndrome. Identifiers: Orphanet 140162, MedGen C0027672, MeSH D009386, MONDO:0015356.

Submission:

Ambry Genetics
Classification: Uncertain significance for Hereditary cancer-predisposing syndrome. Last evaluated: 2020-11-10. Review status: criteria provided, single submitter. Criteria: Ambry Variant Classification Scheme 2023. Collection method: clinical testing. Allele origin: germline.
Comment: The p.V717A variant (also known as c.2150T>C), located in coding exon 4 of the MSH6 gene, results from a T to C substitution at nucleotide position 2150. The valine at codon 717 is replaced by alanine, an amino acid with similar properties. This amino acid position is not well conserved in available vertebrate species. In addition, this alteration is predicted to be tolerated by in silico analysis. Since supporting evidence is limited at this time, the clinical significance of this alteration remains unclear.

NM_000179.3(MSH6):c.2150T>C (p.Val717Ala)

Gene: MSH6 (mutS homolog 6; plus strand). Cytogenetic location: 2p16.3.
Variant type: single nucleotide variant.
Coding change: c.2150T>C on transcript NM_000179.3 (MANE Select); coding-DNA position 2150, T replaced by C.
Protein change: p.Val717Ala; replaces valine 717 with alanine.
Molecular consequence: missense variant.
Genome position (GRCh38, 1-based): chr2:47,800,133, T>C. VCF-style: chr2-47800133-T-C. GRCh37 (hg19) VCF-style: chr2-48027272-T-C.
Other names: c.1760T>C, p.Val587Ala (NM_001281492.2); c.1244T>C, p.Val415Ala (NM_001281493.2, NM_001281494.2, NM_001406811.1 and 6 more transcripts); c.2246T>C, p.Val749Ala (NM_001406795.1, NM_001406802.1); c.2150T>C, p.Val717Ala (NM_001406796.1, NM_001406798.1, NM_001406800.1 and 3 more transcripts); c.1853T>C, p.Val618Ala (NM_001406797.1, NM_001406801.1, NM_001406805.1 and 10 more transcripts); c.1625T>C, p.Val542Ala (NM_001406799.1, NM_001406806.1, NM_001406807.1); c.2072T>C, p.Val691Ala (NM_001406804.1); c.2156T>C, p.Val719Ala (NM_001406813.1); and 1 more; short protein forms V618A, V691A, V542A, V587A, V719A, V661A, V415A, V717A.
Identifiers: ClinVar variation 1786749 (VCV001786749.2), dbSNP rs2530653660, ClinGen allele CA346751112.
Genomic context (GRCh38, chr2:47,800,133, plus strand): 5'-ATCAGGAGCTTTTATCAATGGCTAATTTTGAAGAATATATTCCCTTGGATTCTGACACAG[T>C]CAGCACTACAAGATCTGGTGCTATCTTCACCAAAGCCTATCAACGAATGGTGCTAGATGC-3'
Protein context (NP_000170.1, residues 707-727): EEYIPLDSDT[Val717Ala]STTRSGAIFT